The following is an entry in ClinVar:

NM_001844.5(COL2A1):c.139T>C (p.Trp47Arg)

Gene: COL2A1 (collagen type II alpha 1 chain; minus strand). Cytogenetic location: 12q13.11.
Variant type: single nucleotide variant.
Coding change: c.139T>C on transcript NM_001844.5 (MANE Select); coding-DNA position 139, T replaced by C.
Protein change: p.Trp47Arg; replaces tryptophan 47 with arginine.
Molecular consequence: missense variant. On other transcripts: intron variant (1).
Genome position (GRCh38, 1-based): chr12:48,000,072, A>G on the plus strand (T>C on the coding strand, the complement: COL2A1 is on the minus strand). VCF-style: chr12-48000072-A-G. GRCh37 (hg19) VCF-style: chr12-48393855-A-G.
Other names: c.86-1641T>C (NM_033150.3); short protein forms W47R.
Identifiers: ClinVar variation 418662 (VCV000418662.8), dbSNP rs1064793352, ClinGen allele CA16619531.

ClinVar aggregate classification (germline): Conflicting classifications of pathogenicity. Review status: criteria provided, conflicting classifications (1 of 4 stars). 2 submissions from 2 submitters: Likely pathogenic (1); Uncertain significance (1). Last evaluated 2021-09-09.

Allele frequency attached by ClinVar (database versions not stated): gnomAD exomes below 0.00001; gnomAD 0.00001.

Submissions (2):

Labcorp Genetics (formerly Invitae), Labcorp
Classification: Uncertain significance. Last evaluated: 2021-09-09. Review status: criteria provided, single submitter. Criteria: Invitae Variant Classification Sherloc (09022015). Collection method: clinical testing. Allele origin: germline.
Comment: In summary, the available evidence is currently insufficient to determine the role of this variant in disease. Therefore, it has been classified as a Variant of Uncertain Significance. This variant has not been reported in the literature in individuals affected with COL2A1-related conditions. Algorithms developed to predict the effect of missense changes on protein structure and function are either unavailable or do not agree on the potential impact of this missense change (SIFT: "Deleterious"; PolyPhen-2: "Not Available"; Align-GVGD: "Class C65"). ClinVar contains an entry for this variant (Variation ID: 418662). This variant is not present in population databases (ExAC no frequency). This sequence change replaces tryptophan with arginine at codon 47 of the COL2A1 protein (p.Trp47Arg). The tryptophan residue is highly conserved and there is a moderate physicochemical difference between tryptophan and arginine.

GeneDx
Classification: Likely pathogenic. Last evaluated: 2015-03-21. Review status: criteria provided, single submitter. Criteria: GeneDx Variant Classification (06012015). Collection method: clinical testing. Allele origin: germline. Affected: yes.
Comment: The W47R variant in the COL2A1 gene has not been published as a pathogenic variant, nor has it been reported as a benign polymorphism to our knowledge. The W47R variant was not observed in approximately 6400 individuals of European and African American ancestry in the NHLBI Exome Sequencing Project, indicating it is not a common benign variant in these populations. The W47R variant is a non-conservative amino acid substitution, which is likely to impact secondary protein structure as these residues differ in polarity, charge, size and/or other properties. This substitution occurs within the VWFC domain at a position that is conserved across species and in silico analysis predicts this variant is probably damaging to the protein structure/function. The W47R variant is a good candidate for a disease-causing variant, however the possibility it may be a rare benign variant cannot be excluded